The following is an entry in ClinVar:

NM_031220.4(PITPNM3):c.1428C>T (p.Leu476=)

Gene: PITPNM3 (PITPNM family member 3; minus strand). Cytogenetic location: 17p13.2.
Variant type: single nucleotide variant.
Coding change: c.1428C>T on transcript NM_031220.4 (MANE Select); coding-DNA position 1428, C replaced by T.
Protein change: p.Leu476=; no amino-acid change (leucine 476 retained).
Molecular consequence: synonymous variant.
Genome position (GRCh38, 1-based): chr17:6,472,658, G>A on the plus strand (C>T on the coding strand, the complement: PITPNM3 is on the minus strand). VCF-style: chr17-6472658-G-A. GRCh37 (hg19) VCF-style: chr17-6375978-G-A.
Other names: c.1320C>T, p.Leu440= (NM_001165966.2).
Identifiers: ClinVar variation 2964597 (VCV002964597.3), dbSNP rs775191411, ClinGen allele CA8329518.
Genomic context (GRCh38, chr17:6,472,658, plus strand): 5'-GAATGGGCTGGGGCCCCACCTCCAGCTCAGCACACTCTCTCCCACCCCCAAGAACCTACC[G>A]AGGAGGAGGGACTGCCCATCGCCCAGTGGGAACCTCTGGTAGCGAGGCACGCTGACAGGC-3'
Protein context (NP_112497.2, residues 466-486): FPLGDGQSLL[Leu476=]ADALHTHSPL

ClinVar aggregate classification (germline): Uncertain significance (1 of 4 stars; one submission).

Allele frequency attached by ClinVar (database versions not stated): gnomAD exomes 0.00001; ExAC 0.00002; gnomAD 0.00002; TOPMed 0.00003.
gnomAD v4.1: 13 of 1,612,272 alleles (0.00081%); highest among the groups gnomAD compares: East Asian, 0.0022%; no homozygotes.

Submission:

Labcorp Genetics (formerly Invitae), Labcorp
Classification: Uncertain significance. Last evaluated: 2024-06-05. Review status: criteria provided, single submitter. Criteria: Invitae Variant Classification Sherloc (09022015). Collection method: clinical testing. Allele origin: germline.
Comment: This sequence change affects codon 476 of the PITPNM3 mRNA. It is a 'silent' change, meaning that it does not change the encoded amino acid sequence of the PITPNM3 protein. It affects a nucleotide within the consensus splice site. This variant is present in population databases (rs775191411, gnomAD 0.01%). This variant has not been reported in the literature in individuals affected with PITPNM3-related conditions. Algorithms developed to predict the effect of sequence changes on RNA splicing suggest that this variant is not likely to affect RNA splicing. In summary, the available evidence is currently insufficient to determine the role of this variant in disease. Therefore, it has been classified as a Variant of Uncertain Significance.